The following is an entry in ClinVar:

NM_145207.3(AFG2A):c.239T>C (p.Ile80Thr)

Gene: AFG2A (AAA ATPase AFG2A; plus strand). Cytogenetic location: 4q28.1.
Variant type: single nucleotide variant.
Coding change: c.239T>C on transcript NM_145207.3 (MANE Select); coding-DNA position 239, T replaced by C.
Protein change: p.Ile80Thr; replaces isoleucine 80 with threonine.
Molecular consequence: missense variant.
Genome position (GRCh38, 1-based): chr4:122,927,709, T>C. VCF-style: chr4-122927709-T-C. GRCh37 (hg19) VCF-style: chr4-123848864-T-C.
Other names: c.236T>C, p.Ile79Thr (NM_001317799.2, NM_001345856.2); short protein forms I79T, I80T.
Identifiers: ClinVar variation 937091 (VCV000937091.6), dbSNP rs1262766068, ClinGen allele CA358099341.
Genomic context (GRCh38, chr4:122,927,709, plus strand): 5'-CTAAAACATTCCAGAATTCCCTTATTCATCTTGGACTCAACACTATGAAGTCTGCAAATA[T>C]ATGTATAGGTCGACCAGTGTTGCTTACTAGTTTGAACGGAAAGCAAGAGGTAAGAGTCTT-3'
Protein context (NP_660208.2, residues 70-90): LGLNTMKSAN[Ile80Thr]CIGRPVLLTS

ClinVar aggregate classification (germline): Uncertain significance (1 of 4 stars; one submission).

Conditions:
Microcephaly-intellectual disability-sensorineural hearing loss-epilepsy-abnormal muscle tone syndrome (NEDHSB). Also called: NEURODEVELOPMENTAL DISORDER WITH HEARING LOSS, SEIZURES, AND BRAIN ABNORMALITIES. Identifiers: Orphanet 457351, MedGen C4225276, MONDO:0014698, OMIM 616577.

Allele frequency attached by ClinVar (database versions not stated): TOPMed below 0.00001; gnomAD 0.00001; gnomAD exomes 0.00001.
gnomAD v4.1: 7 of 1,613,156 alleles (0.00043%); highest among the groups gnomAD compares: Non-Finnish European, 0.00059%; no homozygotes.

Submission:

Labcorp Genetics (formerly Invitae), Labcorp
Classification: Uncertain significance for Microcephaly-intellectual disability-sensorineural hearing loss-epilepsy-abnormal muscle tone syndrome. Last evaluated: 2020-01-29. Review status: criteria provided, single submitter. Criteria: Invitae Variant Classification Sherloc (09022015). Collection method: clinical testing. Allele origin: germline.
Comment: In summary, the available evidence is currently insufficient to determine the role of this variant in disease. Therefore, it has been classified as a Variant of Uncertain Significance. Algorithms developed to predict the effect of missense changes on protein structure and function do not agree on the potential impact of this missense change (SIFT: "Deleterious"; PolyPhen-2: "Possibly Damaging"; Align-GVGD: "Class C0"). This variant has not been reported in the literature in individuals with SPATA5-related disease. This variant is not present in population databases (ExAC no frequency). This sequence change replaces isoleucine with threonine at codon 80 of the SPATA5 protein (p.Ile80Thr). The isoleucine residue is highly conserved and there is a moderate physicochemical difference between isoleucine and threonine.